The following is an entry in ClinVar:

ClinVar aggregate classification (germline): Uncertain significance. Review status: criteria provided, multiple submitters, no conflicts (2 of 4 stars). 5 submissions from 5 submitters: Uncertain significance (4). 1 of the submissions does not count toward it. Last evaluated 2025-06-29.

Conditions:
Inborn genetic diseases. Identifiers: MedGen C0950123, MeSH D030342.
Bardet-Biedl syndrome (BBS). Identifiers: Orphanet 110, MedGen C0752166, MONDO:0015229.
BBS4-related disorder. Also called: BBS4-related condition.
Bardet-Biedl syndrome 4 (BBS4). Identifiers: Orphanet 110, MedGen C2936864, MONDO:0014433, OMIM 615982.

Allele frequency attached by ClinVar (database versions not stated): gnomAD 0.00001; gnomAD exomes 0.00001; ExAC 0.00002; TOPMed 0.00002; 1000 Genomes Project 0.00020; 1000 Genomes Project 30x 0.00031.
gnomAD v4.1: 8 of 1,614,218 alleles (0.0005%); highest among the groups gnomAD compares: Admixed American, 0.0033%; no homozygotes.

Submissions (5):

Ambry Genetics
Classification: Uncertain significance for Inborn genetic diseases. Last evaluated: 2025-06-29. Review status: criteria provided, single submitter. Criteria: Ambry Variant Classification Scheme 2023. Collection method: clinical testing. Allele origin: germline.

Blueprint Genetics
Classification: Uncertain significance. Last evaluated: 2024-07-17. Review status: criteria provided, single submitter. Criteria: ACMG Guidelines, 2015. Collection method: clinical testing. Allele origin: germline.

Labcorp Genetics (formerly Invitae), Labcorp
Classification: Uncertain significance for Bardet-Biedl syndrome. Last evaluated: 2023-08-17. Review status: criteria provided, single submitter. Criteria: Invitae Variant Classification Sherloc (09022015). Collection method: clinical testing. Allele origin: germline.
Comment: This sequence change replaces tyrosine, which is neutral and polar, with cysteine, which is neutral and slightly polar, at codon 308 of the BBS4 protein (p.Tyr308Cys). This variant is present in population databases (rs199831925, gnomAD 0.003%). ClinVar contains an entry for this variant (Variation ID: 957617). This variant has not been reported in the literature in individuals affected with BBS4-related conditions. Advanced modeling of protein sequence and biophysical properties (such as structural, functional, and spatial information, amino acid conservation, physicochemical variation, residue mobility, and thermodynamic stability) has been performed at Invitae for this missense variant, however the output from this modeling did not meet the statistical confidence thresholds required to predict the impact of this variant on BBS4 protein function. In summary, the available evidence is currently insufficient to determine the role of this variant in disease. Therefore, it has been classified as a Variant of Uncertain Significance.

Fulgent Genetics
Classification: Uncertain significance for Bardet-Biedl syndrome 4. Last evaluated: 2022-04-20. Review status: criteria provided, single submitter. Criteria: ACMG Guidelines, 2015. Collection method: clinical testing. Allele origin: unknown.

PreventionGenetics, part of Exact Sciences
Classification: Uncertain significance for BBS4-related condition. Last evaluated: 2024-07-22. Review status: no assertion criteria provided. Collection method: clinical testing. Allele origin: germline. Not counted in ClinVar's aggregate classification.
Comment: The BBS4 c.923A>G variant is predicted to result in the amino acid substitution p.Tyr308Cys. To our knowledge, this variant has not been reported in the literature. This variant is reported in 0.0029% of alleles in individuals of Latino descent in gnomAD. At this time, the clinical significance of this variant is uncertain due to the absence of conclusive functional and genetic evidence.

NM_033028.5(BBS4):c.923A>G (p.Tyr308Cys)

Gene: BBS4 (Bardet-Biedl syndrome 4; plus strand). Cytogenetic location: 15q24.1.
Variant type: single nucleotide variant.
Coding change: c.923A>G on transcript NM_033028.5 (MANE Select); coding-DNA position 923, A replaced by G.
Protein change: p.Tyr308Cys; replaces tyrosine 308 with cysteine.
Molecular consequence: missense variant. On other transcripts: non-coding transcript variant (2).
Genome position (GRCh38, 1-based): chr15:72,731,613, A>G. VCF-style: chr15-72731613-A-G. GRCh37 (hg19) VCF-style: chr15-73023954-A-G.
Other names: c.923A>G (NM_033028.3); c.407A>G, p.Tyr136Cys (NM_001252678.2); c.854A>G, p.Tyr285Cys (NM_001320665.2); short protein forms Y308C, Y285C, Y136C.
Identifiers: ClinVar variation 957617 (VCV000957617.14), dbSNP rs199831925, ClinGen allele CA7646834.
Genomic context (GRCh38, chr15:72,731,613, plus strand): 5'-AGGCCATCAGCTGCCTGAAACGAGCCAACTACTTGGCACCCTTTGATTGGAAGATTCTGT[A>G]TAATTTGGGCCTTGTCCATTTGACCATGCAGCAGTATGCATCAGCTTTTCATTTTCTCAG-3'
Protein context (NP_149017.2, residues 298-318): YLAPFDWKIL[Tyr308Cys]NLGLVHLTMQ